The following is an entry in ClinVar:

NM_000512.5(GALNS):c.1283C>A (p.Thr428Lys)

Gene: GALNS (galactosamine (N-acetyl)-6-sulfatase; minus strand). Cytogenetic location: 16q24.3.
Variant type: single nucleotide variant.
Coding change: c.1283C>A on transcript NM_000512.5 (MANE Select); coding-DNA position 1283, C replaced by A.
Protein change: p.Thr428Lys; replaces threonine 428 with lysine.
Molecular consequence: missense variant.
Genome position (GRCh38, 1-based): chr16:88,822,670, G>T on the plus strand (C>A on the coding strand, the complement: GALNS is on the minus strand). VCF-style: chr16-88822670-G-T. GRCh37 (hg19) VCF-style: chr16-88889078-G-T.
Other names: c.728C>A, p.Thr243Lys (NM_001323543.2); c.1301C>A, p.Thr434Lys (NM_001323544.2); short protein forms T243K, T428K, T434K.
Identifiers: ClinVar variation 4886997 (VCV004886997.1).
Genomic context (GRCh38, chr16:88,822,670, plus strand): 5'-GGGTCCCGTCCCAGGTGGAAGATCAGGGGCAGCTTCGTGTGGTCTTCCAGATTGTGAGTT[G>T]TGACCCCTGAAACGTTCTGCCCAGGGCAGAAATCAATGCCCTGCAATGAGAAGAGGGAAG-3'
Protein context (NP_000503.1, residues 418-438): FCPGQNVSGV[Thr428Lys]THNLEDHTKL

ClinVar aggregate classification (germline): Likely pathogenic (1 of 4 stars; one submission).

Conditions:
Mucopolysaccharidosis, MPS-IV-A (MPS4A). Also called: MORQUIO SYNDROME A; GALACTOSAMINE-6-SULFATASE DEFICIENCY; GALNS DEFICIENCY; MORQUIO A DISEASE; MPS IVA; Mucopolysaccharidosis type IV A. Identifiers: Orphanet 309297, Orphanet 582, MedGen C0086651, MONDO:0009659, OMIM 253000.

Submission:

Department of Genetics and Endocrinology, Guangzhou Women and Children’s Medical Center
Classification: Likely pathogenic for Mucopolysaccharidosis, MPS-IV-A. Last evaluated: 2026-08-20. Review status: criteria provided, single submitter. Criteria: ACMG Guidelines, 2015. Collection method: clinical testing. Allele origin: germline. Affected: yes.
Comment: PM1: located in domain 2 (functional domain); PM2: absent from population databases (gnomAD); PP3: multiple in silico tools predict damaging effect; PP4: patient phenotype is highly specific for MPS IVA.